The following is an entry in ClinVar:

ClinVar aggregate classification (germline): Uncertain significance (1 of 4 stars; one submission).

Conditions:
Inborn genetic diseases. Identifiers: MedGen C0950123, MeSH D030342.

Allele frequency attached by ClinVar (database versions not stated): gnomAD exomes below 0.00001; ExAC 0.00001.
gnomAD v4.1: 1 of 1,614,140 alleles (0.000062%); highest among the groups gnomAD compares: Non-Finnish European, 0.000085%; no homozygotes.

Submission:

Ambry Genetics
Classification: Uncertain significance for Inborn genetic diseases. Last evaluated: 2021-08-02. Review status: criteria provided, single submitter. Criteria: Ambry Variant Classification Scheme 2023. Collection method: clinical testing. Allele origin: germline.
Comment: The p.V916I variant (also known as c.2746G>A), located in coding exon 21 of the BUB1B gene, results from a G to A substitution at nucleotide position 2746. The valine at codon 916 is replaced by isoleucine, an amino acid with highly similar properties. This amino acid position is conserved. In addition, this alteration is predicted to be tolerated by in silico analysis. Since supporting evidence is limited at this time, the clinical significance of this alteration remains unclear.

NM_001211.6(BUB1B):c.2746G>A (p.Val916Ile)

Genes: BUB1B (BUB1 mitotic checkpoint serine/threonine kinase B; plus strand), BUB1B-PAK6 (BUB1B-PAK6 readthrough; plus strand). Cytogenetic location: 15q15.1.
Variant type: single nucleotide variant.
Coding change: c.2746G>A on transcript NM_001211.6 (MANE Select); coding-DNA position 2746, G replaced by A.
Protein change: p.Val916Ile; replaces valine 916 with isoleucine.
Molecular consequence: missense variant. On other transcripts: 5 prime UTR variant (2).
Genome position (GRCh38, 1-based): chr15:40,217,563, G>A. VCF-style: chr15-40217563-G-A. GRCh37 (hg19) VCF-style: chr15-40509764-G-A.
Other names: c.-305G>A (NM_001128628.3); c.-222G>A (NM_001128629.3); short protein forms V916I.
Identifiers: ClinVar variation 1795490 (VCV001795490.2), dbSNP rs768565777, ClinGen allele CA7476111.